The following is an entry in ClinVar:

ClinVar aggregate classification (germline): Uncertain significance. Review status: criteria provided, multiple submitters, no conflicts (2 of 4 stars). 3 submissions from 3 submitters: Uncertain significance (3). Last evaluated 2026-06-12.

Conditions:
Duchenne muscular dystrophy (DMD). Also called: MUSCULAR DYSTROPHY, PSEUDOHYPERTROPHIC PROGRESSIVE, DUCHENNE TYPE; Duchenne Muscular Dystrophy (DMD). Identifiers: Orphanet 98896, MedGen C0013264, MONDO:0010679, OMIM 310200.
Cardiovascular phenotype. Identifiers: MedGen CN230736.

Allele frequency attached by ClinVar (database versions not stated): TOPMed 0.00001; gnomAD exomes 0.00004.
gnomAD v4.1: 47 of 1,207,403 alleles (0.0039%); highest among the groups gnomAD compares: Non-Finnish European, 0.0052%; no homozygotes.

Submissions (3):

Ambry Genetics
Classification: Uncertain significance for Cardiovascular phenotype. Last evaluated: 2026-06-12. Review status: criteria provided, single submitter. Criteria: Ambry Variant Classification Scheme 2023. Collection method: clinical testing. Allele origin: germline.
Comment: The p.T3411N variant (also known as c.10232C>A), located in coding exon 71 of the DMD gene, results from a C to A substitution at nucleotide position 10232. The threonine at codon 3411 is replaced by asparagine, an amino acid with similar properties. This variant has been detected in a dilated cardiomyopathy cohort; however, details were limited (Mazzarotto F et al. Circulation, 2020 Feb;141:387-398). This amino acid position is highly conserved in available vertebrate species. In addition, the in silico prediction for this alteration is inconclusive. Based on the available evidence, the clinical significance of this variant remains unclear.

Labcorp Genetics (formerly Invitae), Labcorp
Classification: Uncertain significance for Duchenne muscular dystrophy. Last evaluated: 2024-12-02. Review status: criteria provided, single submitter. Criteria: Invitae Variant Classification Sherloc (09022015). Collection method: clinical testing. Allele origin: germline.
Comment: This sequence change replaces threonine, which is neutral and polar, with asparagine, which is neutral and polar, at codon 3411 of the DMD protein (p.Thr3411Asn). This variant is not present in population databases (gnomAD no frequency). This variant has not been reported in the literature in individuals affected with DMD-related conditions. ClinVar contains an entry for this variant (Variation ID: 1309296). Invitae Evidence Modeling of protein sequence and biophysical properties (such as structural, functional, and spatial information, amino acid conservation, physicochemical variation, residue mobility, and thermodynamic stability) indicates that this missense variant is not expected to disrupt DMD protein function with a negative predictive value of 95%. In summary, the available evidence is currently insufficient to determine the role of this variant in disease. Therefore, it has been classified as a Variant of Uncertain Significance.

GeneDx
Classification: Uncertain significance. Last evaluated: 2019-10-14. Review status: criteria provided, single submitter. Criteria: GeneDx Variant Classification Process June 2021. Collection method: clinical testing. Allele origin: germline. Affected: yes.
Comment: Has not been previously published as pathogenic or benign to our knowledge; Not observed in large population cohorts (Lek et al., 2016); Missense variant in a gene in which most reported pathogenic variants are truncating/loss-of-function; In silico analysis, which includes protein predictors and evolutionary conservation, supports a deleterious effect

Literature cited by the submitters: PubMed 31983221 (cited by Ambry Genetics).

NM_004006.3(DMD):c.10232C>A (p.Thr3411Asn)

Gene: DMD (dystrophin; minus strand). Cytogenetic location: Xp21.2.
Variant type: single nucleotide variant.
Coding change: c.10232C>A on transcript NM_004006.3 (MANE Select); coding-DNA position 10232, C replaced by A.
Protein change: p.Thr3411Asn; replaces threonine 3411 with asparagine.
Molecular consequence: missense variant. On other transcripts: intron variant (5).
Genome position (GRCh38, 1-based): chrX:31,177,962, G>T on the plus strand (C>A on the coding strand, the complement: DMD is on the minus strand). VCF-style: chrX-31177962-G-T. GRCh37 (hg19) VCF-style: chrX-31196079-G-T.
Other names: c.10208C>A, p.Thr3403Asn (NM_000109.4); c.10220C>A, p.Thr3407Asn (NM_004009.3); c.9863C>A, p.Thr3288Asn (NM_004010.3); c.6209C>A, p.Thr2070Asn (NM_004011.4); c.6200C>A, p.Thr2067Asn (NM_004012.4); c.2852C>A, p.Thr951Asn (NM_004013.3, NM_004021.3); c.2045C>A, p.Thr682Asn (NM_004014.3); c.1028C>A, p.Thr343Asn (NM_004015.3, NM_004016.3); and 2 more; short protein forms T2067N, T2070N, T3288N, T3403N, T3407N, T3411N, T343N, T682N.
Identifiers: ClinVar variation 1309296 (VCV001309296.6), dbSNP rs1042981379, ClinGen allele CA328405387.